The following is an entry in ClinVar:

ClinVar aggregate classification (germline): Uncertain significance (1 of 4 stars; one submission).

Conditions:
TRAF7-related disorder. Also called: TRAF7-related condition.

Allele frequency attached by ClinVar (database versions not stated): TOPMed below 0.00001.

Submission:

PreventionGenetics, part of Exact Sciences
Classification: Uncertain significance for TRAF7-related condition. Last evaluated: 2023-08-15. Review status: criteria provided, single submitter. Criteria: ACMG Guidelines, 2015. Collection method: clinical testing. Allele origin: germline.
Comment: The TRAF7 c.1639C>T variant is predicted to result in premature protein termination (p.Arg547*). To our knowledge, this variant has not been reported in the literature or in a large population database, indicating this variant is rare. At this time, the clinical significance of this variant is uncertain due to the absence of conclusive functional and genetic evidence.

NM_032271.3(TRAF7):c.1639C>T (p.Arg547Ter)

Gene: TRAF7 (TNF receptor associated factor 7; plus strand). Cytogenetic location: 16p13.3.
Variant type: single nucleotide variant.
Coding change: c.1639C>T on transcript NM_032271.3 (MANE Select); coding-DNA position 1639, C replaced by T.
Protein change: p.Arg547Ter; replaces arginine 547 with a stop codon.
Molecular consequence: nonsense.
Genome position (GRCh38, 1-based): chr16:2,175,846, C>T. VCF-style: chr16-2175846-C-T. GRCh37 (hg19) VCF-style: chr16-2225847-C-T.
Other names: short protein forms R547*.
Identifiers: ClinVar variation 2631656 (VCV002631656.1), dbSNP rs1308958696, ClinGen allele CA394333918.